The following is an entry in ClinVar:

ClinVar aggregate classification (germline): Likely pathogenic (1 of 4 stars; one submission).

Conditions:
Fanconi anemia complementation group A (FANCA). Also called: Fanconi anemia, group A; FANCA-Related Fanconi Anemia. Identifiers: Orphanet 84, MedGen C3469521, MONDO:0009215, OMIM 227650.

Submission:

Myriad Genetics, Inc.
Classification: Likely pathogenic for Fanconi anemia complementation group A. Last evaluated: 2019-02-25. Review status: criteria provided, single submitter. Criteria: Myriad Women's Health Autosomal Recessive and X-Linked Classification Criteria (2019). Collection method: clinical testing. Allele origin: unknown.
Comment: NM_000135.2(FANCA):c.2234G>A(W745*) is expected to be pathogenic in the context of Fanconi anemia complementation group A. This variant is predicted to lead to an abnormal or absent protein product due to the creation of a premature termination codon in FANCA, a gene where loss-of-function variants are known to be pathogenic. Please note: this variant was assessed in the context of healthy population screening.

NM_000135.4(FANCA):c.2234G>A (p.Trp745Ter)

Gene: FANCA (FA complementation group A; minus strand). Cytogenetic location: 16q24.3.
Variant type: single nucleotide variant.
Coding change: c.2234G>A on transcript NM_000135.4 (MANE Select); coding-DNA position 2234, G replaced by A.
Protein change: p.Trp745Ter; replaces tryptophan 745 with a stop codon.
Molecular consequence: nonsense.
Genome position (GRCh38, 1-based): chr16:89,770,248, C>T on the plus strand (G>A on the coding strand, the complement: FANCA is on the minus strand). VCF-style: chr16-89770248-C-T. GRCh37 (hg19) VCF-style: chr16-89836656-C-T.
Other names: c.2234G>A, p.Trp745Ter (NM_001286167.3); short protein forms W745*.
Identifiers: ClinVar variation 983791 (VCV000983791.3), dbSNP rs1338018512, ClinGen allele CA397446739.